The following is an entry in ClinVar:

ClinVar aggregate classification (germline): Uncertain significance (1 of 4 stars; one submission).

Allele frequency attached by ClinVar (database versions not stated): gnomAD exomes 0.00001.
gnomAD v4.1: 15 of 1,614,174 alleles (0.00093%); highest among the groups gnomAD compares: Non-Finnish European, 0.0013%; no homozygotes.

Submission:

GeneDx
Classification: Uncertain significance. Last evaluated: 2022-06-01. Review status: criteria provided, single submitter. Criteria: GeneDx Variant Classification Process June 2021. Collection method: clinical testing. Allele origin: germline. Affected: yes.
Comment: Not observed at significant frequency in large population cohorts (gnomAD); In silico analysis supports that this missense variant does not alter protein structure/function; Has not been previously published as pathogenic or benign to our knowledge

NM_052865.4(MGME1):c.784A>G (p.Ile262Val)

Gene: MGME1 (mitochondrial genome maintenance exonuclease 1; plus strand). Cytogenetic location: 20p11.23.
Variant type: single nucleotide variant.
Coding change: c.784A>G on transcript NM_052865.4 (MANE Select); coding-DNA position 784, A replaced by G.
Protein change: p.Ile262Val; replaces isoleucine 262 with valine.
Molecular consequence: missense variant. On other transcripts: intron variant (1).
Genome position (GRCh38, 1-based): chr20:17,988,218, A>G. VCF-style: chr20-17988218-A-G. GRCh37 (hg19) VCF-style: chr20-17968861-A-G.
Other names: c.829A>G, p.Ile277Val (NM_001310338.2); c.544A>G, p.Ile182Val (NM_001363738.2); c.512-1721A>G (NM_001310339.2); short protein forms I182V, I262V, I277V.
Identifiers: ClinVar variation 1802061 (VCV001802061.1), dbSNP rs2515326275, ClinGen allele CA408329054.